The following is an entry in ClinVar:

ClinVar aggregate classification (germline): Conflicting classifications of pathogenicity. Review status: criteria provided, conflicting classifications (1 of 4 stars). 2 submissions from 2 submitters: Uncertain significance (1); Likely benign (1). Last evaluated 2025-12-26.

Conditions:
Inborn genetic diseases. Identifiers: MedGen C0950123, MeSH D030342.
Monocytopenia with susceptibility to infections. Also called: GATA2 DEFICIENCY; IMMUNODEFICIENCY 21; MONOCYTOPENIA AND MYCOBACTERIAL INFECTION SYNDROME; MONOCYTOPENIA WITH SUSCEPTIBILITY TO MYCOBACTERIAL, FUNGAL, AND PAPILLOMAVIRUS INFECTIONS AND MYELODYSPLASIA; COMBINED IMMUNODEFICIENCY WITH SUSCEPTIBILITY TO MYCOBACTERIAL, VIRAL, AND FUNGAL INFECTIONS; Dendritic cell, monocyte, B lymphocyte, and natural killer lymphocyte deficiency. Identifiers: Orphanet 228423, MedGen C3280030, MONDO:0013607, OMIM 614172.
Deafness-lymphedema-leukemia syndrome. Also called: Emberger syndrome; Lymphedema, primary, with myelodysplasia. Identifiers: Orphanet 3226, MedGen C3279664, MONDO:0013540, OMIM 614038.

gnomAD v4.1: 1 of 1,614,200 alleles (0.000062%); highest among the groups gnomAD compares: Non-Finnish European, 0.000085%; no homozygotes.

Submissions (2):

Ambry Genetics
Classification: Likely benign for Inborn genetic diseases. Last evaluated: 2025-12-26. Review status: criteria provided, single submitter. Criteria: Ambry Variant Classification Scheme 2023. Collection method: clinical testing. Allele origin: germline.

Labcorp Genetics (formerly Invitae), Labcorp
Classification: Uncertain significance for Monocytopenia with susceptibility to infections; Deafness-lymphedema-leukemia syndrome. Last evaluated: 2022-04-04. Review status: criteria provided, single submitter. Criteria: Invitae Variant Classification Sherloc (09022015). Collection method: clinical testing. Allele origin: germline.
Comment: In summary, the available evidence is currently insufficient to determine the role of this variant in disease. Therefore, it has been classified as a Variant of Uncertain Significance. Advanced modeling of protein sequence and biophysical properties (such as structural, functional, and spatial information, amino acid conservation, physicochemical variation, residue mobility, and thermodynamic stability) performed at Invitae indicates that this missense variant is not expected to disrupt GATA2 protein function. This variant has not been reported in the literature in individuals affected with GATA2-related conditions. This variant is not present in population databases (gnomAD no frequency). This sequence change replaces valine, which is neutral and non-polar, with isoleucine, which is neutral and non-polar, at codon 211 of the GATA2 protein (p.Val211Ile).

NM_032638.5(GATA2):c.631G>A (p.Val211Ile)

Gene: GATA2 (GATA binding protein 2; minus strand). Cytogenetic location: 3q21.3.
Variant type: single nucleotide variant.
Coding change: c.631G>A on transcript NM_032638.5 (MANE Select); coding-DNA position 631, G replaced by A.
Protein change: p.Val211Ile; replaces valine 211 with isoleucine.
Molecular consequence: missense variant.
Genome position (GRCh38, 1-based): chr3:128,485,967, C>T on the plus strand (G>A on the coding strand, the complement: GATA2 is on the minus strand). VCF-style: chr3-128485967-C-T. GRCh37 (hg19) VCF-style: chr3-128204810-C-T.
Other names: c.631G>A, p.Val211Ile (NM_001145661.2, NM_001145662.1); short protein forms V211I.
Identifiers: ClinVar variation 2121545 (VCV002121545.5), dbSNP rs1060500088, ClinGen allele CA354406377.